The following is an entry in ClinVar:

NM_001031689.3(PLAA):c.1039+10T>G

Gene: PLAA (phospholipase A2 activating protein; minus strand). Cytogenetic location: 9p21.2.
Variant type: single nucleotide variant.
Coding change: c.1039+10T>G on transcript NM_001031689.3 (MANE Select); 10 bases into the intron after coding-DNA position 1039, T replaced by G.
Molecular consequence: intron variant.
Genome position (GRCh38, 1-based): chr9:26,923,168, A>C on the plus strand (T>G on the coding strand, the complement: PLAA is on the minus strand). VCF-style: chr9-26923168-A-C. GRCh37 (hg19) VCF-style: chr9-26923166-A-C.
Other names: c.1039+10T>G (NM_001321546.2, NM_001031689.2).
Identifiers: ClinVar variation 1596966 (VCV001596966.10), dbSNP rs770868857, ClinGen allele CA5014490.

ClinVar aggregate classification (germline): Likely benign. Review status: criteria provided, single submitter (1 of 4 stars). 2 submissions from 2 submitters: Likely benign (1). 1 of the submissions does not count toward it. Last evaluated 2026-01-19.

Conditions:
PLAA-related disorder. Also called: PLAA-related condition.

Allele frequency attached by ClinVar (database versions not stated): gnomAD exomes 0.00001 and 0.00004; ExAC 0.00002; TOPMed 0.00003; gnomAD 0.00004 and 0.00005.
gnomAD v4.1: 20 of 1,569,234 alleles (0.0013%); highest among the groups gnomAD compares: Admixed American, 0.037%; 1 homozygote.

Submissions (2):

Labcorp Genetics (formerly Invitae), Labcorp
Classification: Likely benign. Last evaluated: 2026-01-19. Review status: criteria provided, single submitter. Criteria: Invitae Variant Classification Sherloc (09022015). Collection method: clinical testing. Allele origin: germline.

PreventionGenetics, part of Exact Sciences
Classification: Likely benign for PLAA-related condition. Last evaluated: 2023-01-22. Review status: no assertion criteria provided. Collection method: clinical testing. Allele origin: germline. Not counted in ClinVar's aggregate classification.
Comment: This variant is classified as likely benign based on ACMG/AMP sequence variant interpretation guidelines (Richards et al. 2015 PMID: 25741868, with internal and published modifications).